The following is an entry in ClinVar:

NM_001366165.2(RAVER2):c.1965A>G (p.Ser655=)

Gene: RAVER2 (ribonucleoprotein, PTB binding 2; plus strand). Cytogenetic location: 1p31.3.
Variant type: single nucleotide variant.
Coding change: c.1965A>G on transcript NM_001366165.2 (MANE Select); coding-DNA position 1965, A replaced by G.
Protein change: p.Ser655=; no amino-acid change (serine 655 retained).
Molecular consequence: synonymous variant.
Genome position (GRCh38, 1-based): chr1:64,830,874, A>G. VCF-style: chr1-64830874-A-G. GRCh37 (hg19) VCF-style: chr1-65296557-A-G.
Other names: c.1926A>G, p.Ser642= (NM_018211.4).
Identifiers: ClinVar variation 5041430 (VCV005041430.1).

ClinVar aggregate classification (germline): Likely benign (1 of 4 stars; one submission).

gnomAD v4.1: 3 of 1,612,282 alleles (0.00019%); highest among the groups gnomAD compares: Admixed American, 0.0033%; no homozygotes.

Submission:

CeGaT Center for Human Genetics Tuebingen
Classification: Likely benign. Last evaluated: 2026-09-01. Review status: criteria provided, single submitter. Criteria: CeGaT Center For Human Genetics Tuebingen Variant Classification Criteria Version 2. Collection method: clinical testing. Allele origin: germline. Affected: yes. Observed: 1 variant allele.
Comment: RAVER2: BP4, BP7